The following is an entry in ClinVar:

NM_000412.5(HRG):c.242T>C (p.Leu81Pro)

Genes: HRG (histidine rich glycoprotein; plus strand), LOC126806897 (BRD4-independent group 4 enhancer GRCh37_chr3:186386725-186387924; plus strand). Cytogenetic location: 3q27.3.
Variant type: single nucleotide variant.
Coding change: c.242T>C on transcript NM_000412.5 (MANE Select); coding-DNA position 242, T replaced by C.
Protein change: p.Leu81Pro; replaces leucine 81 with proline.
Molecular consequence: missense variant.
Genome position (GRCh38, 1-based): chr3:186,668,993, T>C. VCF-style: chr3-186668993-T-C. GRCh37 (hg19) VCF-style: chr3-186386782-T-C.
Other names: c.242T>C (NM_000412.3); short protein forms L81P.
Identifiers: ClinVar variation 3858675 (VCV003858675.2).
Genomic context (GRCh38, chr3:186,668,993, plus strand): 5'-AGGAAAATACAACTGTATATTACTTAGTCTTAGATGTGCAAGAATCGGACTGTTCGGTCC[T>C]ATCCAGGAAATACTGGAATGACTGTGAGCCACCTGATTCCAGACGTCCATCTGAAATAGT-3'
Protein context (NP_000403.1, residues 71-91): LDVQESDCSV[Leu81Pro]SRKYWNDCEP

ClinVar aggregate classification (germline): Uncertain significance. Review status: criteria provided, multiple submitters, no conflicts (2 of 4 stars). 2 submissions from 2 submitters: Uncertain significance (2). Last evaluated 2025-08-10.

gnomAD v4.1: 5 of 1,612,964 alleles (0.00031%); highest among the groups gnomAD compares: African/African-American, 0.0053%; no homozygotes.

Submissions (2):

GeneDx
Classification: Uncertain significance. Last evaluated: 2025-08-10. Review status: criteria provided, single submitter. Criteria: GeneDx Variant Classification Process June 2021. Collection method: clinical testing. Allele origin: germline. Affected: yes.
Comment: Not observed at significant frequency in large population cohorts (gnomAD); In silico analysis supports that this missense variant has a deleterious effect on protein structure/function; Has not been previously published as pathogenic or benign to our knowledge

Ambry Genetics
Classification: Uncertain significance. Last evaluated: 2025-03-08. Review status: criteria provided, single submitter. Criteria: Ambry Variant Classification Scheme 2023. Collection method: clinical testing. Allele origin: germline.